The following is an entry in ClinVar:

NM_003816.3(ADAM9):c.1402C>T (p.Pro468Ser)

Gene: ADAM9 (ADAM metallopeptidase domain 9; plus strand). Cytogenetic location: 8p11.22.
Variant type: single nucleotide variant.
Coding change: c.1402C>T on transcript NM_003816.3 (MANE Select); coding-DNA position 1402, C replaced by T.
Protein change: p.Pro468Ser; replaces proline 468 with serine.
Molecular consequence: missense variant. On other transcripts: non-coding transcript variant (3).
Genome position (GRCh38, 1-based): chr8:39,055,583, C>T. VCF-style: chr8-39055583-C-T. GRCh37 (hg19) VCF-style: chr8-38913102-C-T.
Other names: short protein forms P468S.
Identifiers: ClinVar variation 2077308 (VCV002077308.4), dbSNP rs2492177638, ClinGen allele CA370743515.
Genomic context (GRCh38, chr8:39,055,583, plus strand): 5'-AATTTGTGGACATTATCCTGATATTTCTGTTTAATTTGAATTCTATTTCACTAGTTCCTT[C>T]CAGGAGGTACTTTATGCCGAGGAAAAACCAGTGAGTGTGATGTTCCAGAGTACTGCAATG-3'
Protein context (NP_003807.1, residues 458-478): GDCCKDCRFL[Pro468Ser]GGTLCRGKTS

ClinVar aggregate classification (germline): Uncertain significance (1 of 4 stars; one submission).

Submission:

Labcorp Genetics (formerly Invitae), Labcorp
Classification: Uncertain significance. Last evaluated: 2022-01-27. Review status: criteria provided, single submitter. Criteria: Invitae Variant Classification Sherloc (09022015). Collection method: clinical testing. Allele origin: germline.
Comment: This sequence change replaces proline, which is neutral and non-polar, with serine, which is neutral and polar, at codon 468 of the ADAM9 protein (p.Pro468Ser). This variant is not present in population databases (gnomAD no frequency). This variant has not been reported in the literature in individuals affected with ADAM9-related conditions. Algorithms developed to predict the effect of missense changes on protein structure and function output the following: SIFT: "Tolerated"; PolyPhen-2: "Benign"; Align-GVGD: "Class C0". The serine amino acid residue is found in multiple mammalian species, which suggests that this missense change does not adversely affect protein function. In summary, the available evidence is currently insufficient to determine the role of this variant in disease. Therefore, it has been classified as a Variant of Uncertain Significance.